The following is an entry in ClinVar:

ClinVar aggregate classification (germline): Conflicting classifications of pathogenicity. Review status: criteria provided, conflicting classifications (1 of 4 stars). 3 submissions from 3 submitters: Likely pathogenic (1); Uncertain significance (2). Last evaluated 2026-07-01.

Conditions:
Glycogen storage disease, type II (IOPD). Also called: CARDIOMEGALIA GLYCOGENICA DIFFUSA; Glycogen storage disease type 2; Acid maltase deficiency disease; Aglucosidase alfa; Deficiency of alpha-glucosidase; Deficiency of lysosomal alpha-glucosidase. Identifiers: Orphanet 365, MedGen C0017921, MONDO:0009290, OMIM 232300.

Allele frequency attached by ClinVar (database versions not stated): gnomAD exomes below 0.00001; TOPMed below 0.00001; ExAC 0.00001.
gnomAD v4.1: 1 of 1,612,852 alleles (0.000062%); highest among the groups gnomAD compares: Non-Finnish European, 0.000085%; no homozygotes.

Submissions (3):

Genomenon, Inc
Classification: Uncertain significance for Glycogen storage disease, type II. Last evaluated: 2026-07-01. Review status: criteria provided, single submitter. Criteria: Genomenon Sequence Variant Interpretation Standards - Updated. Collection method: curation. Allele origin: germline. Affected: no.
Comment: GAA p.Thr602Ala (c.1804A>G) is a missense variant that changes the amino acid at codon 602 from Threonine to Alanine. This variant has been reported in the published literature (PMID:22644586;30281819). At least one functional study has demonstrated a substantial alteration in protein function relative to the wild-type (PMID:22644586). It is absent or not present at a significant frequency in gnomAD. In silico models predict that this variant is possibly or probably damaging. In conclusion, we classify GAA p.Thr602Ala (c.1804A>G) as a variant of uncertain significance.

Labcorp Genetics (formerly Invitae), Labcorp
Classification: Uncertain significance for Glycogen storage disease, type II. Last evaluated: 2025-10-10. Review status: criteria provided, single submitter. Criteria: Invitae Variant Classification Sherloc (09022015). Collection method: clinical testing. Allele origin: germline.
Comment: This sequence change replaces threonine, which is neutral and polar, with alanine, which is neutral and non-polar, at codon 602 of the GAA protein (p.Thr602Ala). This variant is present in population databases (rs781484283, gnomAD 0.0009%). This missense change has been observed in individual(s) with clinical features of Pompe disease (PMID: 22644586). ClinVar contains an entry for this variant (Variation ID: 972802). Invitae Evidence Modeling of protein sequence and biophysical properties (such as structural, functional, and spatial information, amino acid conservation, physicochemical variation, residue mobility, and thermodynamic stability) indicates that this missense variant is expected to disrupt GAA protein function with a positive predictive value of 95%. Experimental studies have shown that this missense change affects GAA function (PMID: 22644586). In summary, the available evidence is currently insufficient to determine the role of this variant in disease. Therefore, it has been classified as a Variant of Uncertain Significance.

Broad Center for Mendelian Genomics, Broad Institute of MIT and Harvard
Classification: Likely pathogenic for Glycogen storage disease, type II. Last evaluated: 2020-01-22. Review status: criteria provided, single submitter. Criteria: ACMG Guidelines, 2015. Collection method: curation. Allele origin: germline. Inheritance: Autosomal recessive inheritance.
Comment: The p.Thr602Ala variant in GAA has been reported in one individual with glycogen storage disease II (PMID: 22644586) and has been identified in 0.001% (1/111482) of European (non-Finnish) chromosomes by the Genome Aggregation Database (gnomAD; dbSNP rs781484283). Although this variant has been seen in the general population, its frequency is low enough to be consistent with a recessive carrier frequency. In vitro functional studies using cells transfected with the variant provide some evidence that the p.Thr602Ala variant may impact protein function (PMID: 22644586). However, these types of assays may not accurately represent biological function. Computational prediction tools and conservation analyses suggest that this variant may impact the protein, though this information is not predictive enough to determine pathogenicity. In summary, although additional studies are required to fully establish its clinical significance, this variant is likely pathogenic. ACMG/AMP Criteria applied: PS3, PM2, PP3 (Richards 2015).

Literature cited by the submitters: PubMed 22644586 (cited by 3 submitters); PubMed 30281819 (cited by Genomenon, Inc).

NM_000152.5(GAA):c.1804A>G (p.Thr602Ala)

Gene: GAA (alpha glucosidase; plus strand). Cytogenetic location: 17q25.3.
Variant type: single nucleotide variant.
Coding change: c.1804A>G on transcript NM_000152.5 (MANE Select); coding-DNA position 1804, A replaced by G.
Protein change: p.Thr602Ala; replaces threonine 602 with alanine.
Molecular consequence: missense variant.
Genome position (GRCh38, 1-based): chr17:80,112,627, A>G. VCF-style: chr17-80112627-A-G. GRCh37 (hg19) VCF-style: chr17-78086426-A-G.
Other names: c.1804A>G, p.Thr602Ala (NM_001079803.3, NM_001079804.3); short protein forms T602A.
Identifiers: ClinVar variation 972802 (VCV000972802.4), dbSNP rs781484283, ClinGen allele CA8815484.